The following is an entry in ClinVar:

NM_000264.5(PTCH1):c.2590G>T (p.Glu864Ter)

Gene: PTCH1 (patched 1; minus strand). Cytogenetic location: 9q22.32.
Variant type: single nucleotide variant.
Coding change: c.2590G>T on transcript NM_000264.5 (MANE Select); coding-DNA position 2590, G replaced by T.
Protein change: p.Glu864Ter; replaces glutamic acid 864 with a stop codon.
Molecular consequence: nonsense. On other transcripts: non-coding transcript variant (1).
Genome position (GRCh38, 1-based): chr9:95,461,969, C>A on the plus strand (G>T on the coding strand, the complement: PTCH1 is on the minus strand). VCF-style: chr9-95461969-C-A. GRCh37 (hg19) VCF-style: chr9-98224251-C-A.
Other names: c.2392G>T, p.Glu798Ter (NM_001083602.3); c.2587G>T, p.Glu863Ter (NM_001083603.3); c.2137G>T, p.Glu713Ter (NM_001083604.3, NM_001083605.3, NM_001083606.3 and 1 more transcripts); c.2434G>T, p.Glu812Ter (NM_001354918.2); short protein forms E713*, E798*, E863*, E812*, E864*.
Identifiers: ClinVar variation 1393263 (VCV001393263.6), dbSNP rs2136689297, ClinGen allele CA374113524.
Genomic context (GRCh38, chr9:95,461,969, plus strand): 5'-AGGCAAGGACTCCATCGTCTGATCCATTCTTGTAATTGTTTGGCATGATTTTCCCGGTTT[C>A]CCAGTCACTGTCAAATGCATCCTGAAGTCCTAGAAATGGCAAATGATTGTAACACATTAT-3'

ClinVar aggregate classification (germline): Pathogenic (1 of 4 stars; one submission).

Conditions:
Gorlin syndrome. Also called: Nevoid Basal Cell Carcinoma Syndrome; Basal cell nevus syndrome. Identifiers: Orphanet 377, MedGen C0004779, MONDO:0007187.

Submission:

Labcorp Genetics (formerly Invitae), Labcorp
Classification: Pathogenic for Gorlin syndrome. Last evaluated: 2021-03-29. Review status: criteria provided, single submitter. Criteria: Invitae Variant Classification Sherloc (09022015). Collection method: clinical testing. Allele origin: germline.
Comment: For these reasons, this variant has been classified as Pathogenic. Algorithms developed to predict the effect of sequence changes on RNA splicing suggest that this variant may create or strengthen a splice site, but this prediction has not been confirmed by published transcriptional studies. This variant has not been reported in the literature in individuals with PTCH1-related conditions. This variant is not present in population databases (ExAC no frequency). This sequence change creates a premature translational stop signal (p.Glu864*) in the PTCH1 gene. It is expected to result in an absent or disrupted protein product. Loss-of-function variants in PTCH1 are known to be pathogenic (PMID: 16301862, 16419085).

Literature cited by the submitters: PubMed 16301862; PubMed 16419085.